The following is an entry in ClinVar:

ClinVar aggregate classification (germline): Uncertain significance (1 of 4 stars; one submission).

Submission:

CeGaT Center for Human Genetics Tuebingen
Classification: Uncertain significance. Last evaluated: 2025-07-01. Review status: criteria provided, single submitter. Criteria: CeGaT Center For Human Genetics Tuebingen Variant Classification Criteria Version 2. Collection method: clinical testing. Allele origin: germline. Affected: yes. Observed: 1 variant allele.
Comment: COL1A2: PM2, PM5

NM_000089.4(COL1A2):c.3544C>T (p.Pro1182Ser)

Gene: COL1A2 (collagen type I alpha 2 chain; plus strand). Cytogenetic location: 7q21.3.
Variant type: single nucleotide variant.
Coding change: c.3544C>T on transcript NM_000089.4 (MANE Select); coding-DNA position 3544, C replaced by T.
Protein change: p.Pro1182Ser; replaces proline 1182 with serine.
Molecular consequence: missense variant.
Genome position (GRCh38, 1-based): chr7:94,428,310, C>T. VCF-style: chr7-94428310-C-T. GRCh37 (hg19) VCF-style: chr7-94057622-C-T.
Other names: short protein forms P1182S.
Identifiers: ClinVar variation 4085464 (VCV004085464.8).